The following is an entry in ClinVar:

NM_024664.4(PPCS):c.731G>A (p.Arg244Gln)

Genes: CCDC30 (coiled-coil domain containing 30; plus strand), PPCS (phosphopantothenoylcysteine synthetase; plus strand). Cytogenetic location: 1p34.2.
Variant type: single nucleotide variant.
Coding change: c.731G>A on transcript NM_024664.4 (MANE Select); coding-DNA position 731, G replaced by A.
Protein change: p.Arg244Gln; replaces arginine 244 with glutamine.
Molecular consequence: missense variant. On other transcripts: intron variant (2).
Genome position (GRCh38, 1-based): chr1:42,459,721, G>A. VCF-style: chr1-42459721-G-A. GRCh37 (hg19) VCF-style: chr1-42925392-G-A.
Other names: c.212G>A, p.Arg71Gln (NM_001077447.3, NM_001287506.1, NM_001287508.2 and 2 more transcripts); c.113G>A, p.Arg38Gln (NM_001287507.1); c.-880+2371G>A (NM_001355226.2); c.612+2371G>A (NM_001287511.2); short protein forms R38Q, R71Q, R244Q.
Identifiers: ClinVar variation 1350218 (VCV001350218.4), dbSNP rs772504440, ClinGen allele CA800063.

ClinVar aggregate classification (germline): Uncertain significance (1 of 4 stars; one submission).

Allele frequency attached by ClinVar (database versions not stated): gnomAD exomes 0.00001 and 0.00002; gnomAD 0.00003; TOPMed 0.00006; ExAC 0.00003.
gnomAD v4.1: 17 of 1,613,996 alleles (0.0011%); highest among the groups gnomAD compares: African/African-American, 0.0067%; no homozygotes.

Submission:

Labcorp Genetics (formerly Invitae), Labcorp
Classification: Uncertain significance. Last evaluated: 2022-05-28. Review status: criteria provided, single submitter. Criteria: Invitae Variant Classification Sherloc (09022015). Collection method: clinical testing. Allele origin: germline.
Comment: This sequence change replaces arginine, which is basic and polar, with glutamine, which is neutral and polar, at codon 244 of the PPCS protein (p.Arg244Gln). This variant is present in population databases (rs772504440, gnomAD 0.02%). This variant has not been reported in the literature in individuals affected with PPCS-related conditions. ClinVar contains an entry for this variant (Variation ID: 1350218). Algorithms developed to predict the effect of missense changes on protein structure and function are either unavailable or do not agree on the potential impact of this missense change (SIFT: "Tolerated"; PolyPhen-2: "Probably Damaging"; Align-GVGD: "Class C0"). In summary, the available evidence is currently insufficient to determine the role of this variant in disease. Therefore, it has been classified as a Variant of Uncertain Significance.